The following is an entry in ClinVar:

NM_002432.3(MNDA):c.266T>G (p.Val89Gly)

Gene: MNDA (myeloid cell nuclear differentiation antigen; plus strand). Cytogenetic location: 1q23.1.
Variant type: single nucleotide variant.
Coding change: c.266T>G on transcript NM_002432.3 (MANE Select); coding-DNA position 266, T replaced by G.
Protein change: p.Val89Gly; replaces valine 89 with glycine.
Molecular consequence: missense variant.
Genome position (GRCh38, 1-based): chr1:158,843,279, T>G. VCF-style: chr1-158843279-T-G. GRCh37 (hg19) VCF-style: chr1-158813069-T-G.
Other names: short protein forms V89G.
Identifiers: ClinVar variation 3295459 (VCV003295459.1).

ClinVar aggregate classification (germline): Uncertain significance (1 of 4 stars; one submission).

Submission:

Ambry Genetics
Classification: Uncertain significance. Last evaluated: 2024-06-18. Review status: criteria provided, single submitter. Criteria: Ambry Variant Classification Scheme 2023. Collection method: clinical testing. Allele origin: germline.
Comment: The p.V89G variant (also known as c.266T>G) is located in coding exon 2 of the MNDA gene. The valine at codon 89 is replaced by glycine, an amino acid with dissimilar properties. This change occurs in the first base pair of coding exon 2. This amino acid position is conserved. In addition, this alteration is predicted to be tolerated by in silico analysis. Based on the available evidence, the clinical significance of this variant remains unclear.